The following is an entry in ClinVar:

NM_004168.4(SDHA):c.11T>C (p.Val4Ala)

Gene: SDHA (succinate dehydrogenase complex flavoprotein subunit A; plus strand). Cytogenetic location: 5p15.33.
Variant type: single nucleotide variant.
Coding change: c.11T>C on transcript NM_004168.4 (MANE Select); coding-DNA position 11, T replaced by C.
Protein change: p.Val4Ala; replaces valine 4 with alanine.
Molecular consequence: missense variant.
Genome position (GRCh38, 1-based): chr5:218,366, T>C. VCF-style: chr5-218366-T-C. GRCh37 (hg19) VCF-style: chr5-218481-T-C.
Other names: c.11T>C, p.Val4Ala (NM_001294332.2, NM_001330758.2); short protein forms V4A.
Identifiers: ClinVar variation 1747207 (VCV001747207.5), dbSNP rs1579369675, ClinGen allele CA359007266.

ClinVar aggregate classification (germline): Conflicting classifications of pathogenicity. Review status: criteria provided, conflicting classifications (1 of 4 stars). 2 submissions from 2 submitters: Uncertain significance (1); Likely benign (1). Last evaluated 2026-02-05.

Conditions:
Hereditary cancer-predisposing syndrome. Also called: Hereditary Cancer Syndrome; Hereditary neoplastic syndrome; Neoplastic Syndromes, Hereditary; Tumor predisposition. Identifiers: Orphanet 140162, MedGen C0027672, MeSH D009386, MONDO:0015356.
Mitochondrial complex II deficiency, nuclear type 1. Also called: SUCCINATE CoQ REDUCTASE DEFICIENCY. Identifiers: Orphanet 3208, MedGen C5700310, MONDO:0100294, OMIM 252011.
Pheochromocytoma/paraganglioma syndrome 5. Also called: Paragangliomas 5; SDHA-Related Hereditary Paraganglioma-Pheochromocytoma Syndrome. Identifiers: Orphanet 29072, MedGen C3279992, MONDO:0013602, OMIM 614165.

Allele frequency attached by ClinVar (database versions not stated): gnomAD exomes below 0.00001.
gnomAD v4.1: 2 of 1,456,840 alleles (0.00014%); highest among the groups gnomAD compares: Non-Finnish European, 0.00018%; no homozygotes.

Submissions (2):

Ambry Genetics
Classification: Likely benign for Hereditary cancer-predisposing syndrome. Last evaluated: 2026-02-05. Review status: criteria provided, single submitter. Criteria: Ambry Variant Classification Scheme 2023. Collection method: clinical testing. Allele origin: germline.

Labcorp Genetics (formerly Invitae), Labcorp
Classification: Uncertain significance for Pheochromocytoma/paraganglioma syndrome 5; Mitochondrial complex II deficiency, nuclear type 1. Last evaluated: 2025-09-22. Review status: criteria provided, single submitter. Criteria: Invitae Variant Classification Sherloc (09022015). Collection method: clinical testing. Allele origin: germline.
Comment: This sequence change replaces valine, which is neutral and non-polar, with alanine, which is neutral and non-polar, at codon 4 of the SDHA protein (p.Val4Ala). This variant is not present in population databases (gnomAD no frequency). This variant has not been reported in the literature in individuals affected with SDHA-related conditions. ClinVar contains an entry for this variant (Variation ID: 1747207). Invitae Evidence Modeling of protein sequence and biophysical properties (such as structural, functional, and spatial information, amino acid conservation, physicochemical variation, residue mobility, and thermodynamic stability) indicates that this missense variant is not expected to disrupt SDHA protein function with a negative predictive value of 95%. In summary, the available evidence is currently insufficient to determine the role of this variant in disease. Therefore, it has been classified as a Variant of Uncertain Significance.